The following is an entry in ClinVar:

NM_000520.6(HEXA):c.755G>T (p.Arg252Leu)

Gene: HEXA (hexosaminidase subunit alpha; minus strand). Cytogenetic location: 15q23.
Variant type: single nucleotide variant.
Coding change: c.755G>T on transcript NM_000520.6 (MANE Select); coding-DNA position 755, G replaced by T.
Protein change: p.Arg252Leu; replaces arginine 252 with leucine.
Molecular consequence: missense variant. On other transcripts: non-coding transcript variant (1).
Genome position (GRCh38, 1-based): chr15:72,350,568, C>A on the plus strand (G>T on the coding strand, the complement: HEXA is on the minus strand). VCF-style: chr15-72350568-C-A. GRCh37 (hg19) VCF-style: chr15-72642909-C-A.
Other names: c.788G>T, p.Arg263Leu (NM_001318825.2); short protein forms R252L, R263L.
Identifiers: ClinVar variation 4710195 (VCV004710195.1).

ClinVar aggregate classification (germline): Pathogenic (1 of 4 stars; one submission).

Conditions:
Tay-Sachs disease (TSD). Also called: HEXA Disorders; HEXA DEFICIENCY; GM2 gangliosidosis, type 1; Hexosaminidase alpha-subunit deficiency (variant B); Sphingolipidosis, Tay-Sachs; Hexosaminidase A Deficiency. Identifiers: Orphanet 845, MedGen C0039373, MONDO:0010100, OMIM 272800.

Submission:

Labcorp Genetics (formerly Invitae), Labcorp
Classification: Pathogenic for Tay-Sachs disease. Last evaluated: 2026-01-20. Review status: criteria provided, single submitter. Criteria: Invitae Variant Classification Sherloc (09022015). Collection method: clinical testing. Allele origin: germline.
Comment: This sequence change replaces arginine, which is basic and polar, with leucine, which is neutral and non-polar, at codon 252 of the HEXA protein (p.Arg252Leu). This variant is not present in population databases (gnomAD no frequency). This missense change has been observed in individual(s) with GM2 gangliosidosis (PMID: 14566483). Invitae Evidence Modeling of protein sequence and biophysical properties (such as structural, functional, and spatial information, amino acid conservation, physicochemical variation, residue mobility, and thermodynamic stability) indicates that this missense variant is expected to disrupt HEXA protein function with a positive predictive value of 95%. This variant disrupts the p.Arg252 amino acid residue in HEXA. Other variant(s) that disrupt this residue have been determined to be pathogenic (PMID: 8730294). This suggests that this residue is clinically significant, and that variants that disrupt this residue are likely to be disease-causing. For these reasons, this variant has been classified as Pathogenic.

Literature cited by the submitters: PubMed 14566483; PubMed 8730294.